The following is an entry in ClinVar:

ClinVar aggregate classification (germline): Uncertain significance. Review status: criteria provided, multiple submitters, no conflicts (2 of 4 stars). 2 submissions from 2 submitters: Uncertain significance (2). Last evaluated 2022-07-08.

Conditions:
Peroxisome biogenesis disorder 12A (Zellweger). Also called: Peroxisome biogenesis disorder 12A. Identifiers: Orphanet 912, MedGen C3554002, MONDO:0013951, OMIM 614886.

Allele frequency attached by ClinVar (database versions not stated): TOPMed below 0.00001; gnomAD 0.00003; ExAC 0.00011.

Submissions (2):

Labcorp Genetics (formerly Invitae), Labcorp
Classification: Uncertain significance for Peroxisome biogenesis disorder 12A (Zellweger). Last evaluated: 2022-07-08. Review status: criteria provided, single submitter. Criteria: Invitae Variant Classification Sherloc (09022015). Collection method: clinical testing. Allele origin: germline.
Comment: This sequence change replaces methionine, which is neutral and non-polar, with threonine, which is neutral and polar, at codon 162 of the PEX19 protein (p.Met162Thr). This variant is present in population databases (rs763064021, gnomAD 0.07%). This variant has not been reported in the literature in individuals affected with PEX19-related conditions. Algorithms developed to predict the effect of missense changes on protein structure and function are either unavailable or do not agree on the potential impact of this missense change (SIFT: "Deleterious"; PolyPhen-2: "Benign"; Align-GVGD: "Class C0"). In summary, the available evidence is currently insufficient to determine the role of this variant in disease. Therefore, it has been classified as a Variant of Uncertain Significance.

Neuberg Centre For Genomic Medicine, NCGM
Classification: Uncertain significance for Peroxisome biogenesis disorder 12A (Zellweger). Review status: criteria provided, single submitter. Criteria: ACMG Guidelines, 2015. Collection method: clinical testing. Allele origin: germline. Inheritance: Autosomal recessive inheritance. Affected: yes.
Comment: The missense c.485T>C(p.Met162Thr) variant in PEX19 gene has not been reported previously as a pathogenic variant nor as a benign variant, to our knowledge. This variant is present with allele frequency of 0.008% in gnomAD Exomes. This variant has been submitted to the ClinVar database as Uncertain Signficance. Computational evidences (Polyphen - Benign, SIFT - Damaging and MutationTaster - Polymorphism) predict conflicting evidence on protein structure and function for this variant. The reference amino acid at this position on PEX19 gene is predicted as conserved by GERP++ and PhyloP across 100 vertebrates. The amino acid Met at position 162 is changed to a Thr changing protein sequence and it might alter its composition and physico-chemical properties. For these reasons, this variant has been classified as a Variant of Uncertain Significance (VUS).

NM_002857.4(PEX19):c.485T>C (p.Met162Thr)

Gene: PEX19 (peroxisomal biogenesis factor 19; minus strand). Cytogenetic location: 1q23.2.
Variant type: single nucleotide variant.
Coding change: c.485T>C on transcript NM_002857.4 (MANE Select); coding-DNA position 485, T replaced by C.
Protein change: p.Met162Thr; replaces methionine 162 with threonine.
Molecular consequence: missense variant. On other transcripts: non-coding transcript variant (2).
Genome position (GRCh38, 1-based): chr1:160,282,148, A>G on the plus strand (T>C on the coding strand, the complement: PEX19 is on the minus strand). VCF-style: chr1-160282148-A-G. GRCh37 (hg19) VCF-style: chr1-160251938-A-G.
Other names: c.485T>C, p.Met162Thr (NM_001193644.1); short protein forms M162T.
Identifiers: ClinVar variation 2139964 (VCV002139964.3), dbSNP rs763064021, ClinGen allele CA1197342.